The following is an entry in ClinVar:

ClinVar aggregate classification (germline): Uncertain significance. Review status: criteria provided, multiple submitters, no conflicts (2 of 4 stars). 2 submissions from 2 submitters: Uncertain significance (2). Last evaluated 2024-07-24.

Conditions:
Long QT syndrome (LQTS). Identifiers: MedGen C0023976, MeSH D008133, MONDO:0002442. Disease mechanism: loss of function. Inheritance: Various modes of inheritance.

Allele frequency attached by ClinVar (database versions not stated): gnomAD exomes below 0.00001.
gnomAD v4.1: 3 of 1,614,126 alleles (0.00019%); highest among the groups gnomAD compares: Non-Finnish European, 0.00017%; no homozygotes.

Submissions (2):

Labcorp Genetics (formerly Invitae), Labcorp
Classification: Uncertain significance for Long QT syndrome. Last evaluated: 2024-07-24. Review status: criteria provided, single submitter. Criteria: Invitae Variant Classification Sherloc (09022015). Collection method: clinical testing. Allele origin: germline.
Comment: This sequence change replaces arginine, which is basic and polar, with tryptophan, which is neutral and slightly polar, at codon 3320 of the AKAP9 protein (p.Arg3320Trp). This variant is not present in population databases (gnomAD no frequency). This variant has not been reported in the literature in individuals affected with AKAP9-related conditions. ClinVar contains an entry for this variant (Variation ID: 1508058). An algorithm developed to predict the effect of missense changes on protein structure and function (PolyPhen-2) suggests that this variant is likely to be disruptive. In summary, the available evidence is currently insufficient to determine the role of this variant in disease. Therefore, it has been classified as a Variant of Uncertain Significance.

Blueprint Genetics
Classification: Uncertain significance. Last evaluated: 2021-12-07. Review status: criteria provided, single submitter. Criteria: ACMG Guidelines, 2015. Collection method: clinical testing. Allele origin: germline.

NM_005751.5(AKAP9):c.9958C>T (p.Arg3320Trp)

Gene: AKAP9 (A-kinase anchoring protein 9; plus strand). Cytogenetic location: 7q21.2.
Variant type: single nucleotide variant.
Coding change: c.9958C>T on transcript NM_005751.5 (MANE Select); coding-DNA position 9958, C replaced by T.
Protein change: p.Arg3320Trp; replaces arginine 3320 with tryptophan.
Molecular consequence: missense variant.
Genome position (GRCh38, 1-based): chr7:92,096,917, C>T. VCF-style: chr7-92096917-C-T. GRCh37 (hg19) VCF-style: chr7-91726231-C-T.
Other names: c.4603C>T, p.Arg1535Trp (NM_001379277.1); c.9934C>T, p.Arg3312Trp (NM_147185.3); short protein forms R3312W, R3320W, R1535W.
Identifiers: ClinVar variation 1508058 (VCV001508058.7), dbSNP rs2130901090, ClinGen allele CA368152277.